The following is an entry in ClinVar:

ClinVar aggregate classification (germline): Uncertain significance (1 of 4 stars; one submission).

Submission:

GeneDx
Classification: Uncertain significance. Last evaluated: 2025-01-26. Review status: criteria provided, single submitter. Criteria: GeneDx Variant Classification Process June 2021. Collection method: clinical testing. Allele origin: germline. Affected: yes.
Comment: Not observed at significant frequency in large population cohorts (gnomAD); In silico analysis indicates that this missense variant does not alter protein structure/function; Has not been previously published as pathogenic or benign to our knowledge

NM_004115.4(FGF14):c.686C>G (p.Thr229Arg)

Gene: FGF14 (fibroblast growth factor 14; minus strand). Cytogenetic location: 13q33.1.
Variant type: single nucleotide variant.
Coding change: c.686C>G on transcript NM_004115.4 (MANE Select); coding-DNA position 686, C replaced by G.
Protein change: p.Thr229Arg; replaces threonine 229 with arginine.
Molecular consequence: missense variant.
Genome position (GRCh38, 1-based): chr13:101,722,889, G>C on the plus strand (C>G on the coding strand, the complement: FGF14 is on the minus strand). VCF-style: chr13-101722889-G-C. GRCh37 (hg19) VCF-style: chr13-102375239-G-C.
Other names: c.434C>G, p.Thr145Arg (NM_001321931.1, NM_001321934.1, NM_001321935.1 and 4 more transcripts); c.497C>G, p.Thr166Arg (NM_001321932.1, NM_001321936.1, NM_001321944.1); c.506C>G, p.Thr169Arg (NM_001321933.1, NM_001321938.2, NM_001321940.1); c.590C>G, p.Thr197Arg (NM_001321939.2); c.701C>G, p.Thr234Arg (NM_175929.3); c.500C>G, p.Thr167Arg (NM_001321941.2); c.584C>G, p.Thr195Arg (NM_001321945.2, NM_001321948.2, NM_001379342.1); c.545C>G, p.Thr182Arg (NM_001321947.2); short protein forms T145R, T166R, T167R, T169R, T182R, T195R, T197R, T229R.
Identifiers: ClinVar variation 4071589 (VCV004071589.1).
Genomic context (GRCh38, chr13:101,722,889, plus strand): 5'-GGCTATGTTGTCTTACTCTTGTTGACTGGTTTGCCTCCATTCATTATTGCAGACGCACTT[G>C]TGCTTTTACTTGGCGTCACCCCAGGCTTCGGGACCGTTTCCCCAACATCATGCAAAGATG-3'
Protein context (NP_004106.1, residues 219-239): PKPGVTPSKS[Thr229Arg]SASAIMNGGK